The following is an entry in ClinVar:

ClinVar aggregate classification (germline): Pathogenic (1 of 4 stars; one submission).

Conditions:
Polyglandular autoimmune syndrome, type 1 (APS1). Also called: Autoimmune polyendocrine syndrome type 1; Autoimmune polyendocrinopathy syndrome, type I; HYPOADRENOCORTICISM WITH HYPOPARATHYROIDISM AND SUPERFICIAL MONILIASIS; PGA I; Autoimmune polyendocrinopathy syndrome , type I, with or without reversible metaphyseal dysplasia; APS I. Identifiers: Orphanet 3453, MedGen C0085859, MONDO:0009411, OMIM 240300.

Submission:

Labcorp Genetics (formerly Invitae), Labcorp
Classification: Pathogenic for Polyglandular autoimmune syndrome, type 1. Last evaluated: 2020-12-23. Review status: criteria provided, single submitter. Criteria: Invitae Variant Classification Sherloc (09022015). Collection method: clinical testing. Allele origin: germline.
Comment: For these reasons, this variant has been classified as Pathogenic. This variant has not been reported in the literature in individuals with AIRE-related conditions. This variant results in the deletion of exon(s) 7-11 and part of exons 6 and 12 (c.753_1495del) of the AIRE gene. This deletion is out-of-frame, and is expected to create a premature translational stop signal and result in an absent or disrupted protein product. Loss-of-function variants in AIRE are known to be pathogenic (PMID: 11524731, 26141571).

Literature cited by the submitters: PubMed 11524731; PubMed 26141571.

NC_000021.8:g.(?_45709640)_(45714378_?)del

Gene: AIRE (autoimmune regulator; plus strand). Cytogenetic location: 21q22.3.
Variant type: Deletion.
Identifiers: ClinVar variation 2422994 (VCV002422994.4).